The following is an entry in ClinVar:

NM_022835.3(PLEKHG2):c.3799C>T (p.Arg1267Cys)

Gene: PLEKHG2 (pleckstrin homology and RhoGEF domain containing G2; plus strand). Cytogenetic location: 19q13.2.
Variant type: single nucleotide variant.
Coding change: c.3799C>T on transcript NM_022835.3 (MANE Select); coding-DNA position 3799, C replaced by T.
Protein change: p.Arg1267Cys; replaces arginine 1267 with cysteine.
Molecular consequence: missense variant. On other transcripts: intron variant (2).
Genome position (GRCh38, 1-based): chr19:39,424,932, C>T. VCF-style: chr19-39424932-C-T. GRCh37 (hg19) VCF-style: chr19-39915572-C-T.
Other names: c.3572+50C>T (NM_001351693.2); c.1678-306C>T (NM_001351694.2); c.3799C>T (NM_022835.2); short protein forms R1267C.
Identifiers: ClinVar variation 2185446 (VCV002185446.5), dbSNP rs777274685, ClinGen allele CA9430052.

ClinVar aggregate classification (germline): Uncertain significance. Review status: criteria provided, multiple submitters, no conflicts (2 of 4 stars). 2 submissions from 2 submitters: Uncertain significance (2). Last evaluated 2024-11-06.

Allele frequency attached by ClinVar (database versions not stated): ExAC 0.00001; gnomAD 0.00001; gnomAD exomes 0.00001; TOPMed 0.00001.

Submissions (2):

GeneDx
Classification: Uncertain significance. Last evaluated: 2024-11-06. Review status: criteria provided, single submitter. Criteria: GeneDx Variant Classification Process June 2021. Collection method: clinical testing. Allele origin: germline. Affected: yes.
Comment: In silico analysis supports that this missense variant has a deleterious effect on protein structure/function; Has not been previously published as pathogenic or benign to our knowledge

Labcorp Genetics (formerly Invitae), Labcorp
Classification: Uncertain significance. Last evaluated: 2024-11-05. Review status: criteria provided, single submitter. Criteria: Invitae Variant Classification Sherloc (09022015). Collection method: clinical testing. Allele origin: germline.
Comment: This sequence change replaces arginine, which is basic and polar, with cysteine, which is neutral and slightly polar, at codon 1267 of the PLEKHG2 protein (p.Arg1267Cys). This variant is present in population databases (rs777274685, gnomAD 0.006%). This variant has not been reported in the literature in individuals affected with PLEKHG2-related conditions. ClinVar contains an entry for this variant (Variation ID: 2185446). An algorithm developed to predict the effect of missense changes on protein structure and function (PolyPhen-2) suggests that this variant is likely to be disruptive. In summary, the available evidence is currently insufficient to determine the role of this variant in disease. Therefore, it has been classified as a Variant of Uncertain Significance.